The following is an entry in ClinVar:

ClinVar aggregate classification (germline): Uncertain significance (1 of 4 stars; one submission).

Conditions:
Hereditary insensitivity to pain with anhidrosis (CIPA). Also called: FAMILIAL DYSAUTONOMIA, TYPE II; INSENSITIVITY TO PAIN, CONGENITAL, WITH ANHIDROSIS; NEUROPATHY, CONGENITAL SENSORY, WITH ANHIDROSIS; hereditary sensory and autonomic neuropathy type 4; HSAN Type IV; NTRK1 Congenital Insensitivity to Pain with Anhidrosis. Identifiers: Orphanet 642, MedGen C0020074, MONDO:0009746, OMIM 256800.

Allele frequency attached by ClinVar (database versions not stated): gnomAD exomes below 0.00001.
gnomAD v4.1: 1 of 1,613,200 alleles (0.000062%); highest among the groups gnomAD compares: Non-Finnish European, 0.000085%; no homozygotes.

Submission:

Labcorp Genetics (formerly Invitae), Labcorp
Classification: Uncertain significance for Hereditary insensitivity to pain with anhidrosis. Last evaluated: 2019-12-17. Review status: criteria provided, single submitter. Criteria: Invitae Variant Classification Sherloc (09022015). Collection method: clinical testing. Allele origin: germline.
Comment: This sequence change replaces glycine with cysteine at codon 614 of the NTRK1 protein (p.Gly614Cys). The glycine residue is highly conserved and there is a large physicochemical difference between glycine and cysteine. In summary, the available evidence is currently insufficient to determine the role of this variant in disease. Therefore, it has been classified as a Variant of Uncertain Significance. Algorithms developed to predict the effect of missense changes on protein structure and function (SIFT, PolyPhen-2, Align-GVGD) all suggest that this variant is likely to be disruptive, but these predictions have not been confirmed by published functional studies and their clinical significance is uncertain. This variant has not been reported in the literature in individuals with NTRK1-related conditions. This variant is not present in population databases (ExAC no frequency).

NM_002529.4(NTRK1):c.1858G>T (p.Gly620Cys)

Gene: NTRK1 (neurotrophic receptor tyrosine kinase 1; plus strand). Cytogenetic location: 1q23.1.
Variant type: single nucleotide variant.
Coding change: c.1858G>T on transcript NM_002529.4 (MANE Select); coding-DNA position 1858, G replaced by T.
Protein change: p.Gly620Cys; replaces glycine 620 with cysteine.
Molecular consequence: missense variant.
Genome position (GRCh38, 1-based): chr1:156,879,174, G>T. VCF-style: chr1-156879174-G-T. GRCh37 (hg19) VCF-style: chr1-156848966-G-T.
Other names: c.1750G>T, p.Gly584Cys (NM_001007792.1); c.1840G>T, p.Gly614Cys (NM_001012331.2); short protein forms G614C, G584C, G620C.
Identifiers: ClinVar variation 861608 (VCV000861608.10), dbSNP rs1648098608, ClinGen allele CA342939545.